The following is an entry in ClinVar:

NM_001130438.3(SPTAN1):c.5433C>T (p.His1811=)

Gene: SPTAN1 (spectrin alpha, non-erythrocytic 1; plus strand). Cytogenetic location: 9q34.11.
Variant type: single nucleotide variant.
Coding change: c.5433C>T on transcript NM_001130438.3 (MANE Select); coding-DNA position 5433, C replaced by T.
Protein change: p.His1811=; no amino-acid change (histidine 1811 retained).
Molecular consequence: synonymous variant.
Genome position (GRCh38, 1-based): chr9:128,617,715, C>T. VCF-style: chr9-128617715-C-T. GRCh37 (hg19) VCF-style: chr9-131379994-C-T.
Other names: c.5358C>T, p.His1786= (NM_001195532.2); c.5433C>T, p.His1811= (NM_001363759.2); c.5373C>T, p.His1791= (NM_001363765.2); c.5418C>T, p.His1806= (NM_003127.4).
Identifiers: ClinVar variation 461229 (VCV000461229.16), dbSNP rs772382171, ClinGen allele CA5265454.

ClinVar aggregate classification (germline): Likely benign. Review status: criteria provided, multiple submitters, no conflicts (2 of 4 stars). 3 submissions from 3 submitters: Likely benign (2). 1 of the submissions does not count toward it. Last evaluated 2025-02-03.

Conditions:
Early-infantile DEE. Also called: Early infantile epileptic encephalopathy; Ohtahara syndrome; Early infantile epileptic encephalopathy with suppression bursts. Identifiers: Orphanet 1934, MedGen C0393706, MONDO:0800491.
SPTAN1-related disorder. Also called: SPTAN1-related disorders; SPTAN1-related condition.
Inborn genetic diseases. Identifiers: MedGen C0950123, MeSH D030342.

Allele frequency attached by ClinVar (database versions not stated): TOPMed 0.00001; ExAC 0.00002.
gnomAD v4.1: 6 of 1,614,140 alleles (0.00037%); highest among the groups gnomAD compares: Admixed American, 0.01%; no homozygotes.

Submissions (3):

Labcorp Genetics (formerly Invitae), Labcorp
Classification: Likely benign for Early-infantile DEE. Last evaluated: 2025-02-03. Review status: criteria provided, single submitter. Criteria: Invitae Variant Classification Sherloc (09022015). Collection method: clinical testing. Allele origin: germline.

Ambry Genetics
Classification: Likely benign for Inborn genetic diseases. Last evaluated: 2018-03-12. Review status: criteria provided, single submitter. Criteria: Ambry Variant Classification Scheme 2023. Collection method: clinical testing. Allele origin: germline.

PreventionGenetics, part of Exact Sciences
Classification: Likely benign for SPTAN1-related condition. Last evaluated: 2023-02-07. Review status: no assertion criteria provided. Collection method: clinical testing. Allele origin: germline. Not counted in ClinVar's aggregate classification.
Comment: This variant is classified as likely benign based on ACMG/AMP sequence variant interpretation guidelines (Richards et al. 2015 PMID: 25741868, with internal and published modifications).